The following is an entry in ClinVar:

ClinVar aggregate classification (germline): Likely benign. Review status: criteria provided, multiple submitters, no conflicts (2 of 4 stars). 4 submissions from 4 submitters: Likely benign (3). 1 of the submissions does not count toward it. Last evaluated 2026-08-01.

Conditions:
DMXL2-related disorder. Also called: DMXL2-related condition.

Allele frequency attached by ClinVar (database versions not stated): gnomAD exomes 0.00006 and 0.00018; ExAC 0.00015; 1000 Genomes Project 0.00020; 1000 Genomes Project 30x 0.00031; ESP Exome Variant Server 0.00046; gnomAD 0.00064 and 0.00068; TOPMed 0.00076.
gnomAD v4.1: 183 of 1,614,154 alleles (0.011%); highest among the groups gnomAD compares: African/African-American, 0.2%; no homozygotes.

Submissions (4):

CeGaT Center for Human Genetics Tuebingen
Classification: Likely benign. Last evaluated: 2026-08-01. Review status: criteria provided, single submitter. Criteria: CeGaT Center For Human Genetics Tuebingen Variant Classification Criteria Version 2. Collection method: clinical testing. Allele origin: germline. Affected: yes. Observed: 1 variant allele.
Comment: DMXL2: BP4, BP7

Labcorp Genetics (formerly Invitae), Labcorp
Classification: Likely benign. Last evaluated: 2026-01-13. Review status: criteria provided, single submitter. Criteria: Invitae Variant Classification Sherloc (09022015). Collection method: clinical testing. Allele origin: germline.

Breakthrough Genomics
Classification: Likely benign. Review status: criteria provided, single submitter. Criteria: ACMG Guidelines, 2015. Collection method: not provided. Allele origin: germline. Inheritance: Autosomal recessive inheritance. Affected: yes.

PreventionGenetics, part of Exact Sciences
Classification: Likely benign for DMXL2-related condition. Last evaluated: 2024-05-24. Review status: no assertion criteria provided. Collection method: clinical testing. Allele origin: germline. Not counted in ClinVar's aggregate classification.
Comment: This variant is classified as likely benign based on ACMG/AMP sequence variant interpretation guidelines (Richards et al. 2015 PMID: 25741868, with internal and published modifications).

NM_001378457.1(DMXL2):c.4299A>G (p.Ala1433=)

Gene: DMXL2 (Dmx like 2; minus strand). Cytogenetic location: 15q21.2.
Variant type: single nucleotide variant.
Coding change: c.4299A>G on transcript NM_001378457.1 (MANE Select); coding-DNA position 4299, A replaced by G.
Protein change: p.Ala1433=; no amino-acid change (alanine 1433 retained).
Molecular consequence: synonymous variant. On other transcripts: non-coding transcript variant (2), intron variant (2).
Genome position (GRCh38, 1-based): chr15:51,498,925, T>C on the plus strand (A>G on the coding strand, the complement: DMXL2 is on the minus strand). VCF-style: chr15-51498925-T-C. GRCh37 (hg19) VCF-style: chr15-51791122-T-C.
Other names: c.4299A>G, p.Ala1433= (NM_001174116.3, NM_001378458.1, NM_001378459.1 and 4 more transcripts); c.4059A>G, p.Ala1353= (NM_001378464.1); c.2765-7178A>G (NM_001378460.1); c.2765-3791A>G (NM_001174117.3).
Identifiers: ClinVar variation 727405 (VCV000727405.12), dbSNP rs149348132, ClinGen allele CA7562035.